The following is an entry in ClinVar:

ClinVar aggregate classification (germline): Uncertain significance (1 of 4 stars; one submission).

Submission:

Labcorp Genetics (formerly Invitae), Labcorp
Classification: Uncertain significance. Last evaluated: 2020-08-28. Review status: criteria provided, single submitter. Criteria: Invitae Variant Classification Sherloc (09022015). Collection method: clinical testing. Allele origin: germline.
Comment: In summary, the available evidence is currently insufficient to determine the role of this variant in disease. Therefore, it has been classified as a Variant of Uncertain Significance. Experimental studies and prediction algorithms are not available or were not evaluated, and the functional significance of this variant is currently unknown. This variant has been observed in individual(s) with clinical features of X-linked hypophosphatemia (PMID: 30682568, Invitae). ClinVar contains an entry for this variant (Variation ID: 961844). This variant is not present in population databases (ExAC no frequency). This variant, c.2053_2055del, results in the deletion of 1 amino acid(s) of the PHEX protein (p.Phe685del), but otherwise preserves the integrity of the reading frame.

Literature cited by the submitters: PubMed 30682568.

NM_000444.6(PHEX):c.2050TTC[1] (p.Phe685del)

Genes: PHEX (phosphate regulating endopeptidase X-linked; plus strand), PTCHD1-AS (PTCHD1 and PHEX antisense RNA; minus strand). Cytogenetic location: Xp22.11.
Variant type: Microsatellite.
Coding change: c.2050TTC[1] on transcript NM_000444.6 (MANE Select); one copy of the 3-base unit TTC starting at c.2050; the reference has two copies in a row; one copy, 3 bases deleted.
Protein change: p.Phe685del; deletes phenylalanine 685.
Molecular consequence: inframe deletion. On other transcripts: non-coding transcript variant (1).
Genome position (GRCh38, 1-based): chrX:22,227,594-22,227,596, TTC deleted; deleting any 3 consecutive bases within chrX:22,227,589-22,227,596 gives the same sequence; the position shown is the placement nearest the transcript's 3' end. VCF-style (leftmost placement, unchanged base first): chrX-22227588-CTCT-C. GRCh37 (hg19) VCF-style: chrX-22245705-CTCT-C.
Other names: c.2050TTC[1], p.Phe685del (NM_001282754.2); short protein forms F685del.
Identifiers: ClinVar variation 961844 (VCV000961844.9), dbSNP rs1935552095, ClinGen allele CA2419211872.
Genomic context (GRCh38, chrX:22,227,588, plus strand): 5'-GACAGAAGGCAGGGACTTGAGGAGCCTCTTCTACCAGGCATCACATTCACCAACAACCAG[CTCT>C]TCTTCCTGAGTTATGCTCATGTGAGTAGACTGAGGAAGGGGCATCAGGGATGAGATGCAG-3'